The following is an entry in ClinVar:

NM_014915.3(ANKRD26):c.3745C>G (p.Arg1249Gly)

Gene: ANKRD26 (ankyrin repeat domain 26; minus strand). Cytogenetic location: 10p12.1.
Variant type: single nucleotide variant.
Coding change: c.3745C>G on transcript NM_014915.3 (MANE Select); coding-DNA position 3745, C replaced by G.
Protein change: p.Arg1249Gly; replaces arginine 1249 with glycine.
Molecular consequence: missense variant.
Genome position (GRCh38, 1-based): chr10:27,033,287, G>C on the plus strand (C>G on the coding strand, the complement: ANKRD26 is on the minus strand). VCF-style: chr10-27033287-G-C. GRCh37 (hg19) VCF-style: chr10-27322216-G-C.
Other names: c.3742C>G, p.Arg1248Gly (NM_001256053.2); short protein forms R1249G, R1248G.
Identifiers: ClinVar variation 2779394 (VCV002779394.4), dbSNP rs747558945, ClinGen allele CA376361029.
Genomic context (GRCh38, chr10:27,033,287, plus strand): 5'-GATTTCTGATTTGACCTAATTTCTTCTTTAAATCCTGTGTCTCATCTTCTAAATTAATAC[G>C]ATAACGTGACGTAACCTCCAGTGAAGCCTCTGACATAGATTGTTTTTTTAGGGTATCAGC-3'
Protein context (NP_055730.2, residues 1239-1259): EASLEVTSRY[Arg1249Gly]INLEDETQDL

ClinVar aggregate classification (germline): Uncertain significance. Review status: criteria provided, multiple submitters, no conflicts (2 of 4 stars). 2 submissions from 2 submitters: Uncertain significance (2). Last evaluated 2025-06-03.

Conditions:
Inborn genetic diseases. Identifiers: MedGen C0950123, MeSH D030342.

gnomAD v4.1: 1 of 1,612,204 alleles (0.000062%); highest among the groups gnomAD compares: East Asian, 0.0022%; no homozygotes.

Submissions (2):

Ambry Genetics
Classification: Uncertain significance for Inborn genetic diseases. Last evaluated: 2025-06-03. Review status: criteria provided, single submitter. Criteria: Ambry Variant Classification Scheme 2023. Collection method: clinical testing. Allele origin: germline.

Labcorp Genetics (formerly Invitae), Labcorp
Classification: Uncertain significance. Last evaluated: 2025-03-05. Review status: criteria provided, single submitter. Criteria: Invitae Variant Classification Sherloc (09022015). Collection method: clinical testing. Allele origin: germline.
Comment: This sequence change replaces arginine, which is basic and polar, with glycine, which is neutral and non-polar, at codon 1249 of the ANKRD26 protein (p.Arg1249Gly). This variant is present in population databases (no rsID available, gnomAD 0.006%). This variant has not been reported in the literature in individuals affected with ANKRD26-related conditions. ClinVar contains an entry for this variant (Variation ID: 2779394). An algorithm developed to predict the effect of missense changes on protein structure and function (PolyPhen-2) suggests that this variant is likely to be disruptive. In summary, the available evidence is currently insufficient to determine the role of this variant in disease. Therefore, it has been classified as a Variant of Uncertain Significance.